The following is an entry in ClinVar:

NM_007294.4(BRCA1):c.548-293G>A

Gene: BRCA1 (BRCA1 DNA repair associated; minus strand). Cytogenetic location: 17q21.31.
Variant type: single nucleotide variant.
Coding change: c.548-293G>A on transcript NM_007294.4 (MANE Select); 293 bases into the intron before coding-DNA position 548, G replaced by A.
Molecular consequence: intron variant.
Genome position (GRCh38, 1-based): chr17:43,097,582, C>T on the plus strand (G>A on the coding strand, the complement: BRCA1 is on the minus strand). VCF-style: chr17-43097582-C-T. GRCh37 (hg19) VCF-style: chr17-41249599-C-T.
Other names: IVS 8-293G>A; NC_000017.10:g.41249599C>T; c.407-293G>A (NM_001408458.1, NM_001408469.1, NM_001408453.1 and 43 more transcripts); c.-218-2722G>A (NM_001407967.1, NM_001407966.1); c.167-293G>A (NM_001407959.1, NM_001408510.1, NM_001407963.1 and 1 more transcripts); c.403+2193G>A (NM_001407931.1, NM_001407932.1, NM_001408503.1 and 6 more transcripts); c.404-293G>A (NM_001407747.1, NM_001408470.1, NM_001407848.1 and 26 more transcripts); c.164-293G>A (NM_001407962.1); and 16 more.
Identifiers: ClinVar variation 209453 (VCV000209453.5), dbSNP rs117281398, ClinGen allele CA276424.

ClinVar aggregate classification (germline): Benign. Review status: reviewed by expert panel (3 of 4 stars). 2 submissions from 2 submitters: Benign (1). 1 of the submissions does not count toward it. Last evaluated 2015-01-12.

Conditions:
Breast-ovarian cancer, familial, susceptibility to, 1 (BROVCA1). Also called: BRCA1 Hereditary Breast and Ovarian Cancer; OVARIAN CANCER, SUSCEPTIBILITY TO. Identifiers: Orphanet 145, MedGen C2676676, MONDO:0011450, OMIM 604370. Disease mechanism: loss of function.

Allele frequency attached by ClinVar (database versions not stated): 1000 Genomes Project 0.00739; 1000 Genomes Project 30x 0.00765; gnomAD 0.01164 and 0.01217; TOPMed 0.01314.
gnomAD v4.1: 1,839 of 152,080 alleles (1.2%); highest among the groups gnomAD compares: Non-Finnish European, 1.8%; 15 homozygotes.

Submissions (6):

Evidence-based Network for the Interpretation of Germline Mutant Alleles (ENIGMA)
Classification: Benign for Breast-ovarian cancer, familial 1. Last evaluated: 2015-01-12. Review status: reviewed by expert panel. Criteria: ENIGMA BRCA1/2 Classification Criteria (2015). Collection method: curation. Allele origin: germline.
Comment: Class 1 not pathogenic based on frequency >1% in an outbred sampleset. Frequency 0.01451 (European), derived from 1000 genomes (2012-04-30).

GeneDx
Classification: Likely benign. Last evaluated: 2019-10-06. Review status: criteria provided, single submitter. Criteria: GeneDx Variant Classification Process June 2021. Collection method: clinical testing. Allele origin: germline. Affected: yes. Not counted in ClinVar's aggregate classification.

Dr. Peter K. Rogan Lab, Western University
No classification provided (evidence only). Condition: Acute myeloid leukemia. Review status: no classification provided. Collection method: in vitro. Allele origin: not applicable. Functional consequence: retained intron. Not counted in ClinVar's aggregate classification.

Dr. Peter K. Rogan Lab, Western University
No classification provided (evidence only). Condition: Sarcoma. Review status: no classification provided. Collection method: in vitro. Allele origin: not applicable. Functional consequence: retained intron. Not counted in ClinVar's aggregate classification.

Dr. Peter K. Rogan Lab, Western University
No classification provided (evidence only). Condition: Thymoma. Review status: no classification provided. Collection method: in vitro. Allele origin: not applicable. Functional consequence: retained intron. Not counted in ClinVar's aggregate classification.

Dr. Peter K. Rogan Lab, Western University
No classification provided (evidence only). Condition: Lymphoma. Review status: no classification provided. Collection method: in vitro. Allele origin: not applicable. Functional consequence: skipped exon. Not counted in ClinVar's aggregate classification.